The following is an entry in ClinVar:

ClinVar aggregate classification (germline): Likely pathogenic (1 of 4 stars; one submission).

Conditions:
Retinitis pigmentosa 59 (RP59). Identifiers: Orphanet 791, MedGen C3151227, MONDO:0013468, OMIM 613861.

Submission:

Natera, Inc.
Classification: Likely pathogenic for Retinitis pigmentosa type 59. Last evaluated: 2026-01-21. Review status: criteria provided, single submitter. Criteria: Natera Variant Classification Schema (03/2026). Collection method: clinical testing. Allele origin: germline.
Comment: The c.823C>T variant in DHDDS is a nonsense variant predicted to introduce a stop codon at amino acid 275. This variant is expected to result in nonsense mediated decay, truncation, or a dysfunctional protein product. This variant is rare in the general population with a frequency below the threshold expected for the associated phenotype(s). Given the available evidence, this variant is classified as Likely Pathogenic.

NM_205861.3(DHDDS):c.820C>T (p.Gln274Ter)

Gene: DHDDS (dehydrodolichyl diphosphate synthase subunit; plus strand). Cytogenetic location: 1p36.11.
Variant type: single nucleotide variant.
Coding change: c.820C>T on transcript NM_205861.3 (MANE Select); coding-DNA position 820, C replaced by T.
Protein change: p.Gln274Ter; replaces glutamine 274 with a stop codon.
Molecular consequence: nonsense.
Genome position (GRCh38, 1-based): chr1:26,468,949, C>T. VCF-style: chr1-26468949-C-T. GRCh37 (hg19) VCF-style: chr1-26795440-C-T.
Other names: c.718C>T, p.Gln240Ter (NM_001243564.2); c.703C>T, p.Gln235Ter (NM_001243565.2); c.541C>T, p.Gln181Ter (NM_001319959.2); c.823C>T, p.Gln275Ter (NM_024887.4); short protein forms Q181*, Q235*, Q240*, Q274*, Q275*.
Identifiers: ClinVar variation 4816175 (VCV004816175.1).